The following is an entry in ClinVar:

GRCh37/hg19 3p26.3-26.2(chr3:2433188-3068833)x1

Gene: CNTN4 (contactin 4; plus strand). Cytogenetic location: 3p26.3-26.2.
Variant type: copy number loss.
Change: copy number 1 (one copy instead of two) of chr3:2,433,188-3,068,833 (635.6 kb, GRCh37 coordinates, 1-based), cytogenetic band 3p26.3-26.2.
Identifiers: ClinVar variation 446319 (VCV000446319.3).

ClinVar aggregate classification (germline): Uncertain significance (1 of 4 stars; one submission).

Submission:

Clinical Genomics Laboratory, Laboratory for Precision Diagnostics, University of Washington
Classification: Uncertain significance. Last evaluated: 2017-02-03. Review status: criteria provided, single submitter. Criteria: Clinical Cytogenomics Laboratory Policy on CNV Interpretation. Collection method: clinical testing. Allele origin: maternal. Affected: yes. Observed: 1 variant allele.

Literature cited by the submitters: PubMed 15106122; PubMed 17036314; PubMed 18837054; PubMed 19404257; PubMed 18349135; PubMed 22750301; PubMed 19760623; PubMed 21308999; PubMed 21841781; PubMed 21882294.